The following is an entry in ClinVar:

NM_004722.4(AP4M1):c.851A>C (p.Tyr284Ser)

Gene: AP4M1 (adaptor related protein complex 4 subunit mu 1; plus strand). Cytogenetic location: 7q22.1.
Variant type: single nucleotide variant.
Coding change: c.851A>C on transcript NM_004722.4 (MANE Select); coding-DNA position 851, A replaced by C.
Protein change: p.Tyr284Ser; replaces tyrosine 284 with serine.
Molecular consequence: missense variant.
Genome position (GRCh38, 1-based): chr7:100,105,461, A>C. VCF-style: chr7-100105461-A-C. GRCh37 (hg19) VCF-style: chr7-99703084-A-C.
Other names: c.872A>C, p.Tyr291Ser (NM_001363671.2); short protein forms Y284S, Y291S.
Identifiers: ClinVar variation 471069 (VCV000471069.10), dbSNP rs1554380391, ClinGen allele CA368472432.

ClinVar aggregate classification (germline): Likely pathogenic. Review status: criteria provided, single submitter (1 of 4 stars). 2 submissions from 2 submitters: Likely pathogenic (1). 1 of the submissions does not count toward it. Last evaluated 2023-03-10.

Conditions:
Spastic paraplegia. Identifiers: MedGen C0037772, HP:0001258.
Hereditary spastic paraplegia 50 (SPG50). Also called: Spastic paraplegia 50, autosomal recessive. Identifiers: Orphanet 280763, MedGen C2752008, MONDO:0013048, OMIM 612936.

gnomAD v4.1: 1 of 1,614,098 alleles (0.000062%); highest among the groups gnomAD compares: Non-Finnish European, 0.000085%; no homozygotes.

Submissions (2):

Labcorp Genetics (formerly Invitae), Labcorp
Classification: Likely pathogenic for Hereditary spastic paraplegia 50. Last evaluated: 2023-03-10. Review status: criteria provided, single submitter. Criteria: Invitae Variant Classification Sherloc (09022015). Collection method: clinical testing. Allele origin: germline.
Comment: This sequence change replaces tyrosine, which is neutral and polar, with serine, which is neutral and polar, at codon 284 of the AP4M1 protein (p.Tyr284Ser). This variant is not present in population databases (gnomAD no frequency). This missense change has been observed in individual(s) with hereditary spastic paraplegia (PMID: 32979048; Invitae). In at least one individual the data is consistent with being in trans (on the opposite chromosome) from a pathogenic variant. ClinVar contains an entry for this variant (Variation ID: 471069). Advanced modeling of protein sequence and biophysical properties (such as structural, functional, and spatial information, amino acid conservation, physicochemical variation, residue mobility, and thermodynamic stability) performed at Invitae indicates that this missense variant is expected to disrupt AP4M1 protein function. In summary, the currently available evidence indicates that the variant is pathogenic, but additional data are needed to prove that conclusively. Therefore, this variant has been classified as Likely Pathogenic.

Yale Center for Mendelian Genomics, Yale University
Classification: Likely pathogenic for Spastic paraplegia. Last evaluated: 2020-10-01. Review status: no assertion criteria provided. Collection method: literature only. Allele origin: germline. Affected: yes. Observed: 1 compound heterozygote. Study: Yale Center for Mendelian Genomics. Not counted in ClinVar's aggregate classification.

Literature cited by the submitters: PubMed 32979048 (cited by Labcorp Genetics (formerly Invitae), Labcorp and Yale Center for Mendelian Genomics, Yale University).